The following is an entry in ClinVar:

ClinVar aggregate classification (germline): Pathogenic (1 of 4 stars; one submission).

Submission:

Labcorp Genetics (formerly Invitae), Labcorp
Classification: Pathogenic. Last evaluated: 2023-12-12. Review status: criteria provided, single submitter. Criteria: Invitae Variant Classification Sherloc (09022015). Collection method: clinical testing. Allele origin: germline.
Comment: This sequence change creates a premature translational stop signal (p.Ser113*) in the RINT1 gene. It is expected to result in an absent or disrupted protein product. Loss-of-function variants in RINT1 are known to be pathogenic (PMID: 31204009). This variant is not present in population databases (gnomAD no frequency). This variant has not been reported in the literature in individuals affected with RINT1-related conditions. For these reasons, this variant has been classified as Pathogenic.

Literature cited by the submitters: PubMed 31204009.

NM_021930.6(RINT1):c.338C>G (p.Ser113Ter)

Gene: RINT1 (RAD50 interactor 1; plus strand). Cytogenetic location: 7q22.3.
Variant type: single nucleotide variant.
Coding change: c.338C>G on transcript NM_021930.6 (MANE Select); coding-DNA position 338, C replaced by G.
Protein change: p.Ser113Ter; replaces serine 113 with a stop codon.
Molecular consequence: nonsense. On other transcripts: 5 prime UTR variant (3), non-coding transcript variant (1).
Genome position (GRCh38, 1-based): chr7:105,542,472, C>G. VCF-style: chr7-105542472-C-G. GRCh37 (hg19) VCF-style: chr7-105182919-C-G.
Other names: c.104C>G, p.Ser35Ter (NM_001346599.2); c.-682C>G (NM_001346600.2); c.-585C>G (NM_001346601.2); c.-205C>G (NM_001346603.2); short protein forms S113*, S35*.
Identifiers: ClinVar variation 2702379 (VCV002702379.3), dbSNP rs2133373241, ClinGen allele CA368803067.
Genomic context (GRCh38, chr7:105,542,472, plus strand): 5'-TTACAATTTCATCAGAAATTCCTAAAAGAATTCGAAGTGCCTTAAAAAATGCAGAAGAAT[C>G]AAAGCAATTTCTTAATCAGTTTCTGGAGCAGGAAACTCATCTCTTCAGCGCCATTAACAG-3'